The following is an entry in ClinVar:

ClinVar aggregate classification (germline): Pathogenic (1 of 4 stars; one submission).

Conditions:
Kabuki syndrome 1 (KABUK1). Also called: KMT2D-Related Kabuki Syndrome. Identifiers: Orphanet 2322, MedGen CN030661, MONDO:0007843, OMIM 147920.

Submission:

Institute of Human Genetics, University of Leipzig Medical Center
Classification: Pathogenic for Kabuki syndrome 1. Last evaluated: 2025-04-08. Review status: criteria provided, single submitter. Criteria: ACMG Guidelines, 2015. Collection method: clinical testing. Allele origin: maternal. Inheritance: X-linked recessive inheritance. Affected: yes.
Comment: Criteria applied: PVS1,PM2

NM_001291415.2(KDM6A):c.133dup (p.Glu45fs)

Gene: KDM6A (lysine demethylase 6A; plus strand). Cytogenetic location: Xp11.3.
Variant type: Duplication.
Coding change: c.133dup on transcript NM_001291415.2 (MANE Select); coding-DNA position 133, one base duplicated (G; older notation c.133dupG).
Protein change: p.Glu45fs; shifts the reading frame from glutamic acid 45.
Molecular consequence: frameshift variant. On other transcripts: 5 prime UTR variant (1), non-coding transcript variant (1).
Genome position (GRCh38, 1-based): chrX:44,873,684, G duplicated; the last of 2 consecutive G bases (chrX:44,873,683-44,873,684); duplicating either gives the same sequence. VCF-style (leftmost placement, unchanged base first): chrX-44873682-A-AG. GRCh37 (hg19) VCF-style: chrX-44732928-A-AG.
Other names: c.133dup, p.Glu45fs (NM_001291416.2, NM_001291417.2, NM_001291418.2 and 9 more transcripts); c.-500dup (NM_001291421.2); short protein forms E45fs.
Identifiers: ClinVar variation 3901196 (VCV003901196.1).